The following is an entry in ClinVar:

NM_001164508.2(NEB):c.4122T>G (p.Tyr1374Ter)

Gene: NEB (nebulin; minus strand). Cytogenetic location: 2q23.3.
Variant type: single nucleotide variant.
Coding change: c.4122T>G on transcript NM_001164508.2 (MANE Select); coding-DNA position 4122, T replaced by G.
Protein change: p.Tyr1374Ter; replaces tyrosine 1374 with a stop codon.
Molecular consequence: nonsense.
Genome position (GRCh38, 1-based): chr2:151,672,546, A>C on the plus strand (T>G on the coding strand, the complement: NEB is on the minus strand). VCF-style: chr2-151672546-A-C. GRCh37 (hg19) VCF-style: chr2-152529060-A-C.
Other names: c.4122T>G, p.Tyr1374Ter (NM_001164507.2, NM_001271208.2, NM_004543.5); short protein forms Y1374*.
Identifiers: ClinVar variation 5014578 (VCV005014578.1).
Genomic context (GRCh38, chr2:151,672,546, plus strand): 5'-CTTTGCAGCTGTGATGCTAACCATGTCCCCAGGGGTATGGTAGCTGGTTTTGGTGTTCTC[A>C]TAGTTCTTCTTGTATTCACGATCAGACTGCAGCTTTGCCACATTCATATAGTGGACCAGC-3'

ClinVar aggregate classification (germline): Pathogenic (1 of 4 stars; one submission).

Conditions:
Nemaline myopathy 2 (NEM2). Also called: Nemaline myopathy 2, autosomal recessive. Identifiers: MedGen C1850569, MONDO:0009725, OMIM 256030.

Submission:

Myriad Genetics, Inc.
Classification: Pathogenic for Nemaline myopathy 2. Last evaluated: 2025-06-10. Review status: criteria provided, single submitter. Criteria: Myriad Autosomal Dominant, Autosomal Recessive and X-Linked Classification Criteria (2023). Collection method: clinical testing. Allele origin: unknown.
Comment: NM_001271208.1(NEB):c.4122T>G(Y1374*) is expected to be pathogenic in the context of NEB-related nemaline myopathy. This variant is predicted to lead to an abnormal or absent protein product due to the creation of a premature termination codon in NEB, a gene where loss-of-function variants are known to be pathogenic. Please note: this variant was assessed in the context of healthy population screening.